The following is an entry in ClinVar:

NM_033026.6(PCLO):c.4825A>G (p.Arg1609Gly)

Gene: PCLO (piccolo presynaptic cytomatrix protein; minus strand). Cytogenetic location: 7q21.11.
Variant type: single nucleotide variant.
Coding change: c.4825A>G on transcript NM_033026.6 (MANE Select); coding-DNA position 4825, A replaced by G.
Protein change: p.Arg1609Gly; replaces arginine 1609 with glycine.
Molecular consequence: missense variant.
Genome position (GRCh38, 1-based): chr7:82,956,128, T>C on the plus strand (A>G on the coding strand, the complement: PCLO is on the minus strand). VCF-style: chr7-82956128-T-C. GRCh37 (hg19) VCF-style: chr7-82585444-T-C.
Other names: c.4825A>G, p.Arg1609Gly (NM_014510.3); c.4825A>G (NM_033026.5); short protein forms R1609G.
Identifiers: ClinVar variation 1410031 (VCV001410031.4), dbSNP rs202192034, ClinGen allele CA4320757.
Genomic context (GRCh38, chr7:82,956,128, plus strand): 5'-ATGAGTGACGTCTTCCTGCATCTTCATCAATGCTTGTGCTACTTTTTCGAGTCAGTCGTC[T>C]GTGTTTCCCTGCTGTTATTTTGCCTTTTCCCTTTGTTTCTTCCTTCTTCTGGCTCTCAGT-3'
Protein context (NP_149015.2, residues 1599-1619): GKGKITAGKH[Arg1609Gly]RLTRKSSTSI

ClinVar aggregate classification (germline): Uncertain significance. Review status: criteria provided, multiple submitters, no conflicts (2 of 4 stars). 2 submissions from 2 submitters: Uncertain significance (2). Last evaluated 2023-12-15.

Conditions:
Inborn genetic diseases. Identifiers: MedGen C0950123, MeSH D030342.

Allele frequency attached by ClinVar (database versions not stated): TOPMed 0.00017; gnomAD 0.00021 and 0.00024; gnomAD exomes 0.00023 and 0.00035; ESP Exome Variant Server 0.00032; ExAC 0.00036.
gnomAD v4.1: 530 of 1,609,112 alleles (0.033%); highest among the groups gnomAD compares: Non-Finnish European, 0.043%; no homozygotes.

Submissions (2):

Ambry Genetics
Classification: Uncertain significance for Inborn genetic diseases. Last evaluated: 2023-12-15. Review status: criteria provided, single submitter. Criteria: Ambry Variant Classification Scheme 2023. Collection method: clinical testing. Allele origin: germline.

Labcorp Genetics (formerly Invitae), Labcorp
Classification: Uncertain significance. Last evaluated: 2022-08-19. Review status: criteria provided, single submitter. Criteria: Invitae Variant Classification Sherloc (09022015). Collection method: clinical testing. Allele origin: germline.
Comment: This sequence change replaces arginine, which is basic and polar, with glycine, which is neutral and non-polar, at codon 1609 of the PCLO protein (p.Arg1609Gly). This variant is present in population databases (rs202192034, gnomAD 0.04%). This variant has not been reported in the literature in individuals affected with PCLO-related conditions. ClinVar contains an entry for this variant (Variation ID: 1410031). Algorithms developed to predict the effect of missense changes on protein structure and function are either unavailable or do not agree on the potential impact of this missense change (SIFT: "Deleterious"; PolyPhen-2: "Not Available"; Align-GVGD: "Class C0"). In summary, the available evidence is currently insufficient to determine the role of this variant in disease. Therefore, it has been classified as a Variant of Uncertain Significance.